The following is an entry in ClinVar:

NM_020762.4(SRGAP1):c.1540-10C>T

Gene: SRGAP1 (SLIT-ROBO Rho GTPase activating protein 1; plus strand). Cytogenetic location: 12q14.2.
Variant type: single nucleotide variant.
Coding change: c.1540-10C>T on transcript NM_020762.4 (MANE Select); 10 bases into the intron before coding-DNA position 1540, C replaced by T.
Molecular consequence: intron variant.
Genome position (GRCh38, 1-based): chr12:64,094,922, C>T. VCF-style: chr12-64094922-C-T. GRCh37 (hg19) VCF-style: chr12-64488702-C-T.
Other names: c.1471-10C>T (NM_001346201.2); c.1540-10C>T (NM_020762.3).
Identifiers: ClinVar variation 734831 (VCV000734831.5), dbSNP rs373137029, ClinGen allele CA6666739.
Genomic context (GRCh38, chr12:64,094,922, plus strand): 5'-CTAAGCCTTATTATTATGAGGCATTTATACCTCTCCCTTGAGGTTAACTGGTTTCCATCC[C>T]TTTACCCAGGACTCAGGACAGGTTATTCCCCTCATTGTGGAAAGCTGTATTCGGTTCATC-3'

ClinVar aggregate classification (germline): Benign. Review status: criteria provided, single submitter (1 of 4 stars). 2 submissions from 2 submitters: Benign (1). 1 of the submissions does not count toward it. Last evaluated 2018-03-29.

Conditions:
SRGAP1-related disorder. Also called: SRGAP1-related condition.

Allele frequency attached by ClinVar (database versions not stated): gnomAD exomes 0.00011 and 0.00030; ExAC 0.00035; 1000 Genomes Project 0.00040; 1000 Genomes Project 30x 0.00047; gnomAD 0.00119 and 0.00131; TOPMed 0.00139; ESP Exome Variant Server 0.00154.
gnomAD v4.1: 355 of 1,613,852 alleles (0.022%); highest among the groups gnomAD compares: African/African-American, 0.4%; 1 homozygote.

Submissions (2):

Labcorp Genetics (formerly Invitae), Labcorp
Classification: Benign. Last evaluated: 2018-03-29. Review status: criteria provided, single submitter. Criteria: Invitae Variant Classification Sherloc (09022015). Collection method: clinical testing. Allele origin: germline.

PreventionGenetics, part of Exact Sciences
Classification: Benign for SRGAP1-related condition. Last evaluated: 2019-09-19. Review status: no assertion criteria provided. Collection method: clinical testing. Allele origin: germline. Not counted in ClinVar's aggregate classification.
Comment: This variant is classified as benign based on ACMG/AMP sequence variant interpretation guidelines (Richards et al. 2015 PMID: 25741868, with internal and published modifications).